The following is an entry in ClinVar:

NM_024422.6(DSC2):c.26C>G (p.Ser9Cys)

Genes: DSC2 (desmocollin 2; minus strand), DSCAS (DSC1/DSC2 antisense RNA; plus strand). Cytogenetic location: 18q12.1.
Variant type: single nucleotide variant.
Coding change: c.26C>G on transcript NM_024422.6 (MANE Select); coding-DNA position 26, C replaced by G.
Protein change: p.Ser9Cys; replaces serine 9 with cysteine.
Molecular consequence: missense variant.
Genome position (GRCh38, 1-based): chr18:31,101,946, G>C on the plus strand (C>G on the coding strand, the complement: DSC2 is on the minus strand). VCF-style: chr18-31101946-G-C. GRCh37 (hg19) VCF-style: chr18-28681909-G-C.
Other names: p.S9C:TCC>TGC; c.26C>G, p.Ser9Cys (NM_004949.5); short protein forms S9C.
Identifiers: ClinVar variation 199759 (VCV000199759.4), dbSNP rs794728064, ClinGen allele CA022768.

ClinVar aggregate classification (germline): Uncertain significance. Review status: criteria provided, multiple submitters, no conflicts (2 of 4 stars). 2 submissions from 2 submitters: Uncertain significance (2). Last evaluated 2021-07-15.

Conditions:
Cardiomyopathy (CMYO). Also called: Cardiomyopathies. Identifiers: Orphanet 167848, MedGen C0878544, MONDO:0004994, HP:0001638. Inheritance: Various modes of inheritance.

Allele frequency attached by ClinVar (database versions not stated): gnomAD 0.00001; TOPMed 0.00002.
gnomAD v4.1: 1 of 1,528,156 alleles (0.000065%); highest among the groups gnomAD compares: African/African-American, 0.0014%; no homozygotes.

Submissions (2):

Color Diagnostics, LLC DBA Color Health
Classification: Uncertain significance for Cardiomyopathy. Last evaluated: 2021-07-15. Review status: criteria provided, single submitter. Criteria: ACMG Guidelines, 2015. Collection method: clinical testing. Allele origin: germline.
Comment: This missense variant replaces serine with cysteine at codon 9 of the DSC2 protein. Computational prediction suggests that this variant may not impact protein structure and function (internally defined REVEL score threshold <= 0.5, PMID: 27666373). To our knowledge, functional studies have not been reported for this variant. This variant has not been reported in individuals affected with cardiovascular disorders in the literature. This variant has not been identified in the general population by the Genome Aggregation Database (gnomAD). The available evidence is insufficient to determine the role of this variant in disease conclusively. Therefore, this variant is classified as a Variant of Uncertain Significance.

GeneDx
Classification: Uncertain significance. Last evaluated: 2017-11-08. Review status: criteria provided, single submitter. Criteria: GeneDx Variant Classification (06012015). Collection method: clinical testing. Allele origin: germline. Affected: yes.
Comment: The S9C variant of uncertain significance in the DSC2 gene has not been published as pathogenic or been reported as benign to our knowledge. S9C is not observed in large population cohorts (Lek et al., 2016). The S9C variant is a non-conservative amino acid substitution, which is likely to impact secondary protein structure as these residues differ in polarity, charge, size and/or other properties. However, in-silico analyses, including protein predictors and evolutionary conservation support that this variant does not alter protein structure/function.